The following is an entry in ClinVar:

NM_002972.4(SBF1):c.1332+6C>T

Gene: SBF1 (SET binding factor 1; minus strand). Cytogenetic location: 22q13.33.
Variant type: single nucleotide variant.
Coding change: c.1332+6C>T on transcript NM_002972.4 (MANE Select); 6 bases into the intron after coding-DNA position 1332, C replaced by T.
Molecular consequence: intron variant.
Genome position (GRCh38, 1-based): chr22:50,464,995, G>A on the plus strand (C>T on the coding strand, the complement: SBF1 is on the minus strand). VCF-style: chr22-50464995-G-A. GRCh37 (hg19) VCF-style: chr22-50903424-G-A.
Other names: c.1335+6C>T (NM_001365819.1).
Identifiers: ClinVar variation 1441278 (VCV001441278.6), dbSNP rs754287738, ClinGen allele CA10317739.
Genomic context (GRCh38, chr22:50,464,995, plus strand): 5'-AGGTTAGGTAAGCCATGGTCAGGCGGAGCCAGGGCAGGGGGCTGGGAGGGCAGGGTGGAG[G>A]TGCACCTCATCGAACAGGTCCGTAGGGCGGTATGGGACCCCACGCTCTGACACAAAGCCA-3'

ClinVar aggregate classification (germline): Uncertain significance (1 of 4 stars; one submission).

Allele frequency attached by ClinVar (database versions not stated): ExAC 0.00001; gnomAD 0.00001; gnomAD exomes 0.00001 and 0.00002.

Submission:

Labcorp Genetics (formerly Invitae), Labcorp
Classification: Uncertain significance. Last evaluated: 2022-07-09. Review status: criteria provided, single submitter. Criteria: Invitae Variant Classification Sherloc (09022015). Collection method: clinical testing. Allele origin: germline.
Comment: In summary, the available evidence is currently insufficient to determine the role of this variant in disease. Therefore, it has been classified as a Variant of Uncertain Significance. Variants that disrupt the consensus splice site are a relatively common cause of aberrant splicing (PMID: 17576681, 9536098). Algorithms developed to predict the effect of sequence changes on RNA splicing suggest that this variant is not likely to affect RNA splicing. ClinVar contains an entry for this variant (Variation ID: 1441278). This variant has not been reported in the literature in individuals affected with SBF1-related conditions. This variant is present in population databases (rs754287738, gnomAD 0.006%). This sequence change falls in intron 12 of the SBF1 gene. It does not directly change the encoded amino acid sequence of the SBF1 protein. It affects a nucleotide within the consensus splice site.

Literature cited by the submitters: PubMed 17576681; PubMed 9536098.